The following is an entry in ClinVar:

ClinVar aggregate classification (germline): Uncertain significance. Review status: criteria provided, multiple submitters, no conflicts (2 of 4 stars). 5 submissions from 5 submitters: Uncertain significance (5). Last evaluated 2025-07-15.

Conditions:
COL3A1-related disorder. Also called: COL3A1-related condition.
Ehlers-Danlos syndrome, type 4 (EDSVASC). Also called: Ehlers-Danlos syndrome vascular type; Ehlers Danlos syndrome, ecchymotic type; Ehlers Danlos syndrome, arterial type; Ehlers Danlos syndrome, Sack-Barabas type; Ehlers-Danlos Syndrome Type IV. Identifiers: Orphanet 286, MedGen C0268338, MONDO:0017314, OMIM 130050.
Familial thoracic aortic aneurysm and aortic dissection (TAAD). Also called: Thoracic aortic aneurysms and dissections. Identifiers: Orphanet 91387, MedGen C4707243, MONDO:0019625.

Allele frequency attached by ClinVar (database versions not stated): gnomAD 0.00001; gnomAD exomes 0.00001 and 0.00003; TOPMed 0.00002.
gnomAD v4.1: 19 of 1,556,540 alleles (0.0012%); highest among the groups gnomAD compares: Admixed American, 0.0077%; no homozygotes.

Submissions (5):

Color Diagnostics, LLC DBA Color Health
Classification: Uncertain significance for Familial thoracic aortic aneurysm and aortic dissection. Last evaluated: 2025-07-15. Review status: criteria provided, single submitter. Criteria: ACMG Guidelines, 2015. Collection method: clinical testing. Allele origin: germline.
Comment: This missense variant replaces alanine with threonine at codon 377 of the COL3A1 protein. Computational prediction suggests that this variant may not impact protein structure and function. To our knowledge, functional studies have not been reported for this variant. This variant has been reported in an individual with vascular anomalies (PMID: 28655553). This variant has been identified in 6/195374 chromosomes in the general population by the Genome Aggregation Database (gnomAD). The available evidence is insufficient to determine the role of this variant in disease conclusively. Therefore, this variant is classified as a Variant of Uncertain Significance.

Labcorp Genetics (formerly Invitae), Labcorp
Classification: Uncertain significance for Ehlers-Danlos syndrome, type 4. Last evaluated: 2023-10-05. Review status: criteria provided, single submitter. Criteria: Invitae Variant Classification Sherloc (09022015). Collection method: clinical testing. Allele origin: germline.
Comment: This sequence change replaces alanine, which is neutral and non-polar, with threonine, which is neutral and polar, at codon 377 of the COL3A1 protein (p.Ala377Thr). This variant is present in population databases (no rsID available, gnomAD 0.02%). This missense change has been observed in individual(s) with vascular anomalies (PMID: 28655553). ClinVar contains an entry for this variant (Variation ID: 529323). Advanced modeling of protein sequence and biophysical properties (such as structural, functional, and spatial information, amino acid conservation, physicochemical variation, residue mobility, and thermodynamic stability) performed at Invitae indicates that this missense variant is not expected to disrupt COL3A1 protein function. In summary, the available evidence is currently insufficient to determine the role of this variant in disease. Therefore, it has been classified as a Variant of Uncertain Significance.

GeneDx
Classification: Uncertain significance. Last evaluated: 2023-08-31. Review status: criteria provided, single submitter. Criteria: GeneDx Variant Classification Process June 2021. Collection method: clinical testing. Allele origin: germline. Affected: yes.
Comment: Identified in one individual form a cohort of patients with congenital vascular malformations or hemangiomas (Mattassi et al., 2017); In silico analysis supports that this missense variant does not alter protein structure/function; Occurs in the triple helical domain at the Y position in the canonical Gly-X-Y repeat; although this variant may have an effect on normal protein folding and function, missense substitution at the Y position is not a common mechanism of disease (HGMD); This variant is associated with the following publications: (PMID: 28655553)

All of Us Research Program, National Institutes of Health
Classification: Uncertain significance for Ehlers-Danlos syndrome, type 4. Last evaluated: 2023-08-15. Review status: criteria provided, single submitter. Criteria: ACMG Guidelines, 2015. Collection method: clinical testing. Allele origin: germline. Inheritance: Autosomal dominant inheritance. Observed: 3 variant alleles, 3 heterozygotes.
Comment: This missense variant replaces alanine with threonine at codon 377 of the COL3A1 protein. Computational prediction tools and conservation analyses are inconclusive regarding the impact of this variant on the protein function. Computational splicing tools suggest that this variant may not impact RNA splicing. To our knowledge, functional assays have not been performed for this variant. This variant has been reported in an individual affected with vascular anomaly (PMID: 28655553). This variant has also been identified in 6/195374 chromosomes in the general population by the Genome Aggregation Database (gnomAD). Available evidence is insufficient to determine the role of this variant in disease conclusively. Therefore, this variant is classified as a Variant of Uncertain Significance.

This study involves interpretation of variants in research participants for the purpose of population health screening. Participant phenotype was not available at the time of variant classification. Additional details can be found in publication PMID: 35346344, PMCID: PMC8962531

PreventionGenetics, part of Exact Sciences
Classification: Uncertain significance for COL3A1-related condition. Last evaluated: 2023-06-22. Review status: criteria provided, single submitter. Criteria: ACMG Guidelines, 2015. Collection method: clinical testing. Allele origin: germline.
Comment: The COL3A1 c.1129G>A variant is predicted to result in the amino acid substitution p.Ala377Thr. This variant was reported in the heterozygous state in an individual with vascular anomalies (Supplementary Table II, Patient ID R837, Mattassi et al. 2018. PubMed ID: 28655553). This variant is reported in 0.022% of alleles in individuals of East Asian descent in gnomAD. At this time, the clinical significance of this variant is uncertain due to the absence of conclusive functional and genetic evidence.

Literature cited by the submitters: PubMed 28655553 (cited by 3 submitters).

NM_000090.4(COL3A1):c.1129G>A (p.Ala377Thr)

Gene: COL3A1 (collagen type III alpha 1 chain; plus strand). Cytogenetic location: 2q32.2.
Variant type: single nucleotide variant.
Coding change: c.1129G>A on transcript NM_000090.4 (MANE Select); coding-DNA position 1129, G replaced by A.
Protein change: p.Ala377Thr; replaces alanine 377 with threonine.
Molecular consequence: missense variant.
Genome position (GRCh38, 1-based): chr2:188,993,439, G>A. VCF-style: chr2-188993439-G-A. GRCh37 (hg19) VCF-style: chr2-189858165-G-A.
Other names: short protein forms A377T.
Identifiers: ClinVar variation 529323 (VCV000529323.18), dbSNP rs1248348633, ClinGen allele CA349851040.
Genomic context (GRCh38, chr2:188,993,439, plus strand): 5'-GGGTCTCCTGGTTCAAATGGTGCCCCTGGACAAAGAGGAGAACCTGGACCTCAGGGACAC[G>A]CTGGTGCTCAAGGTCCTCCTGTAAGTATCATAGTTGAGAGGGAGTAAGCATAGTTTCATG-3'
Protein context (NP_000081.2, residues 367-387): QRGEPGPQGH[Ala377Thr]GAQGPPGPPG